The following is an entry in ClinVar:

NM_001099274.3(TINF2):c.93T>G (p.Phe31Leu)

Genes: TINF2 (TERF1 interacting nuclear factor 2; minus strand), LOC130055403 (ATAC-STARR-seq lymphoblastoid active region 8199; plus strand). Cytogenetic location: 14q12.
Variant type: single nucleotide variant.
Coding change: c.93T>G on transcript NM_001099274.3 (MANE Select); coding-DNA position 93, T replaced by G.
Protein change: p.Phe31Leu; replaces phenylalanine 31 with leucine.
Molecular consequence: missense variant.
Genome position (GRCh38, 1-based): chr14:24,242,240, A>C on the plus strand (T>G on the coding strand, the complement: TINF2 is on the minus strand). VCF-style: chr14-24242240-A-C. GRCh37 (hg19) VCF-style: chr14-24711446-A-C.
Other names: c.93T>G, p.Phe31Leu (NM_001363668.2, NM_012461.3); short protein forms F31L.
Identifiers: ClinVar variation 2982058 (VCV002982058.3), dbSNP rs2502467851, ClinGen allele CA389236039.

ClinVar aggregate classification (germline): Uncertain significance (1 of 4 stars; one submission).

Conditions:
Dyskeratosis congenita. Identifiers: Orphanet 1775, MedGen C0265965, MONDO:0015780.

Submission:

Labcorp Genetics (formerly Invitae), Labcorp
Classification: Uncertain significance for Dyskeratosis congenita. Last evaluated: 2023-11-13. Review status: criteria provided, single submitter. Criteria: Invitae Variant Classification Sherloc (09022015). Collection method: clinical testing. Allele origin: germline.
Comment: This sequence change replaces phenylalanine, which is neutral and non-polar, with leucine, which is neutral and non-polar, at codon 31 of the TINF2 protein (p.Phe31Leu). This variant is not present in population databases (gnomAD no frequency). This variant has not been reported in the literature in individuals affected with TINF2-related conditions. An algorithm developed to predict the effect of missense changes on protein structure and function (PolyPhen-2) suggests that this variant is likely to be tolerated. In summary, the available evidence is currently insufficient to determine the role of this variant in disease. Therefore, it has been classified as a Variant of Uncertain Significance.